The following is an entry in ClinVar:

NM_201384.3(PLEC):c.12134C>G (p.Ala4045Gly)

Gene: PLEC (plectin; minus strand). Cytogenetic location: 8q24.3.
Variant type: single nucleotide variant.
Coding change: c.12134C>G on transcript NM_201384.3 (MANE Select); coding-DNA position 12134, C replaced by G.
Protein change: p.Ala4045Gly; replaces alanine 4045 with glycine.
Molecular consequence: missense variant.
Genome position (GRCh38, 1-based): chr8:143,917,687, G>C on the plus strand (C>G on the coding strand, the complement: PLEC is on the minus strand). VCF-style: chr8-143917687-G-C. GRCh37 (hg19) VCF-style: chr8-144991855-G-C.
Other names: c.12215C>G, p.Ala4072Gly (NM_000445.5); c.8834C>G, p.Ala2945Gly (NM_001410941.1); c.12092C>G, p.Ala4031Gly (NM_201378.4); c.12068C>G, p.Ala4023Gly (NM_201379.3); c.12545C>G, p.Ala4182Gly (NM_201380.4); c.12038C>G, p.Ala4013Gly (NM_201381.3); c.12134C>G, p.Ala4045Gly (NM_201382.4); c.12146C>G, p.Ala4049Gly (NM_201383.3); short protein forms A4031G, A4182G, A4045G, A4049G, A2945G, A4013G, A4023G, A4072G.
Identifiers: ClinVar variation 2079855 (VCV002079855.4), dbSNP rs782005939, ClinGen allele CA372485805.
Genomic context (GRCh38, chr8:143,917,687, plus strand): 5'-ACCTCCACGGGCAGCCGGTGGCTCTCCTCAGGGTCGATGATGCCGCCCGTGGCGATCTGG[G>C]CCTCCAGCAGGCGGATGCCATGGTCCTTCAGGATCAGGCCCTTCTTCATGGCCTGGAAGA-3'
Protein context (NP_958786.1, residues 4035-4055): LKDHGIRLLE[Ala4045Gly]QIATGGIIDP

ClinVar aggregate classification (germline): Uncertain significance (1 of 4 stars; one submission).

Conditions:
Epidermolysis bullosa simplex 5C, with pyloric atresia (EBS5C). Also called: PLEC-Related Epidermolysis Bullosa with Pyloric Atresia; Epidermolysis bullosa simplex with pyloric atresia; PLEC1-Related Epidermolysis Bullosa with Pyloric Atresia. Identifiers: Orphanet 158684, MedGen C2677349, MONDO:0012807, OMIM 612138.
Epidermolysis bullosa simplex with nail dystrophy (EBS5D). Identifiers: MedGen C4225309, MONDO:0014661, OMIM 616487.
Epidermolysis bullosa simplex 5B, with muscular dystrophy (EBS5B). Also called: EPIDERMOLYSIS BULLOSA SIMPLEX AND LIMB-GIRDLE MUSCULAR DYSTROPHY; Epidermolysis bullosa simplex with muscular dystrophy. Identifiers: Orphanet 257, MedGen C2931072, MONDO:0009181, OMIM 226670.
Epidermolysis bullosa simplex, Ogna type (EBS5A). Also called: Pidermolysis bullosa simplex 5A, Ogna type; EPIDERMOLYSIS BULLOSA SIMPLEX 5A, OGNA TYPE. Identifiers: Orphanet 79401, MedGen C0432317, MONDO:0007555, OMIM 131950.
Autosomal recessive limb-girdle muscular dystrophy type 2Q (LGMDR17). Also called: MUSCULAR DYSTROPHY, LIMB-GIRDLE, AUTOSOMAL RECESSIVE 17. Identifiers: Orphanet 254361, MedGen C3150989, MONDO:0013390, OMIM 613723.

Submission:

Labcorp Genetics (formerly Invitae), Labcorp
Classification: Uncertain significance for Autosomal recessive limb-girdle muscular dystrophy type 2Q; Epidermolysis bullosa simplex, Ogna type; Epidermolysis bullosa simplex with nail dystrophy; Epidermolysis bullosa simplex 5C, with pyloric atresia; Epidermolysis bullosa simplex 5B, with muscular dystrophy. Last evaluated: 2022-09-12. Review status: criteria provided, single submitter. Criteria: Invitae Variant Classification Sherloc (09022015). Collection method: clinical testing. Allele origin: germline.
Comment: This variant is not present in population databases (gnomAD no frequency). This sequence change replaces alanine, which is neutral and non-polar, with glycine, which is neutral and non-polar, at codon 4072 of the PLEC protein (p.Ala4072Gly). This variant has not been reported in the literature in individuals affected with PLEC-related conditions. In summary, the available evidence is currently insufficient to determine the role of this variant in disease. Therefore, it has been classified as a Variant of Uncertain Significance. Algorithms developed to predict the effect of missense changes on protein structure and function (SIFT, PolyPhen-2, Align-GVGD) all suggest that this variant is likely to be disruptive.